The following is an entry in ClinVar:

NM_152906.7(TANGO2):c.4del (p.Cys2fs)

Gene: TANGO2 (transport and golgi organization 2 homolog; plus strand). Cytogenetic location: 22q11.21.
Variant type: Deletion.
Coding change: c.4del on transcript NM_152906.7 (MANE Select); coding-DNA position 4, one base deleted (T; older notation c.4delT).
Protein change: p.Cys2fs; shifts the reading frame from cysteine 2.
Molecular consequence: frameshift variant. On other transcripts: 5 prime UTR variant (20), non-coding transcript variant (5).
Genome position (GRCh38, 1-based): chr22:20,036,802, T deleted. VCF-style (leftmost placement, unchanged base first): chr22-20036801-GT-G. GRCh37 (hg19) VCF-style: chr22-20024324-GT-G.
Other names: c.4del, p.Cys2fs (NM_001283106.3, NM_001283116.3, NM_001283148.3 and 10 more transcripts); c.-114del (NM_001283129.3, NM_001283215.3, NM_001322141.2 and 5 more transcripts); c.-176del (NM_001283235.3, NM_001322146.2, NM_001322153.2 and 5 more transcripts); c.-416del (NM_001322148.2, NM_001322150.2, NM_001322172.2 and 1 more transcripts); short protein forms C2fs.
Identifiers: ClinVar variation 224773 (VCV000224773.26), dbSNP rs869320693, ClinGen allele CA358861.
Genomic context (GRCh38, chr22:20,036,801, plus strand): 5'-TGTTTTCCTTTTCCCGCAGACCTCGCGACCTGTGTCAGCAGAGCCGCCCTGCACCACCAT[GT>G]GCATCATCTTCTTTAAGTTTGATCCTCGCCCTGTTTCCAAAAACGCGTACAGGTAACCCC-3'

ClinVar aggregate classification (germline): Pathogenic/Likely pathogenic. Review status: criteria provided, multiple submitters, no conflicts (2 of 4 stars). 5 submissions from 5 submitters: Pathogenic (3); Likely pathogenic (1). 1 of the submissions does not count toward it. Last evaluated 2025-02-16.

Conditions:
Recurrent metabolic encephalomyopathic crises-rhabdomyolysis-cardiac arrhythmia-intellectual disability syndrome (MECRCN). Also called: METABOLIC CRISES, RECURRENT, WITH RHABDOMYOLYSIS, CARDIAC ARRHYTHMIAS, AND NEURODEGENERATION; TANGO2 Deficiency; Metabolic encephalomyopathic crises, recurrent, with rhabdomyolysis, cardiac arrhythmias, and neurodegeneration. Identifiers: Orphanet 480864, MedGen C5567524, MONDO:0018820, OMIM 616878.

Allele frequency attached by ClinVar (database versions not stated): gnomAD exomes 0.00002.

Submissions (5):

Laboratory of Genetics, Children's Clinical University Hospital Latvia
Classification: Likely pathogenic. Last evaluated: 2025-02-16. Review status: criteria provided, single submitter. Criteria: ACMG Guidelines, 2015. Collection method: clinical testing. Allele origin: germline. Affected: yes.

CeGaT Center for Human Genetics Tuebingen
Classification: Pathogenic. Last evaluated: 2024-12-01. Review status: criteria provided, single submitter. Criteria: CeGaT Center For Human Genetics Tuebingen Variant Classification Criteria Version 2. Collection method: clinical testing. Allele origin: germline. Affected: yes. Observed: 1 variant allele.
Comment: TANGO2: PM3:Strong, PVS1:Strong, PM2

Labcorp Genetics (formerly Invitae), Labcorp
Classification: Pathogenic. Last evaluated: 2023-11-06. Review status: criteria provided, single submitter. Criteria: Invitae Variant Classification Sherloc (09022015). Collection method: clinical testing. Allele origin: germline.
Comment: This sequence change creates a premature translational stop signal (p.Cys2Alafs*35) in the TANGO2 gene. It is expected to result in an absent or disrupted protein product. Loss-of-function variants in TANGO2 are known to be pathogenic (PMID: 26805781, 26805782). This variant is not present in population databases (gnomAD no frequency). This premature translational stop signal has been observed in individual(s) with clinical features of TANGO2-related conditions (PMID: 26805782). ClinVar contains an entry for this variant (Variation ID: 224773). For these reasons, this variant has been classified as Pathogenic.

GeneDx
Classification: Pathogenic. Last evaluated: 2020-05-27. Review status: criteria provided, single submitter. Criteria: GeneDx Variant Classification Process June 2021. Collection method: clinical testing. Allele origin: germline. Affected: yes.
Comment: Frameshift variant predicted to result in protein truncation or nonsense mediated decay in a gene for which loss-of-function is a known mechanism of disease; Not observed in large population cohorts (Lek et al., 2016); This variant is associated with the following publications: (PMID: 26805782)

OMIM
Classification: Pathogenic for METABOLIC CRISES, RECURRENT, WITH RHABDOMYOLYSIS, CARDIAC ARRHYTHMIAS, AND NEURODEGENERATION. Last evaluated: 2019-05-09. Review status: no assertion criteria provided. Collection method: literature only. Allele origin: germline. Not counted in ClinVar's aggregate classification.

Literature cited by the submitters: PubMed 26805781 (cited by Labcorp Genetics (formerly Invitae), Labcorp); PubMed 26805782 (cited by Labcorp Genetics (formerly Invitae), Labcorp and OMIM).